The following is an entry in ClinVar:

NC_000016.9:g.(?_81348719)_(81411201_?)del

Gene: GAN (gigaxonin; plus strand). Cytogenetic location: 16q23.2.
Variant type: Deletion.
Identifiers: ClinVar variation 3243433 (VCV003243433.1).

ClinVar aggregate classification (germline): Pathogenic (1 of 4 stars; one submission).

Conditions:
Giant axonal neuropathy 1 (GAN1). Also called: GIANT AXONAL NEUROPATHY 1, AUTOSOMAL RECESSIVE; GAN-Related Neurodegeneration. Identifiers: Orphanet 643, MedGen C1850386, MONDO:0009749, OMIM 256850.

Submission:

Labcorp Genetics (formerly Invitae), Labcorp
Classification: Pathogenic for Giant axonal neuropathy 1. Last evaluated: 2023-03-16. Review status: criteria provided, single submitter. Criteria: Invitae Variant Classification Sherloc (09022015). Collection method: clinical testing. Allele origin: unknown.
Comment: For these reasons, this variant has been classified as Pathogenic. This variant has not been reported in the literature in individuals affected with GAN-related conditions. A gross deletion of the genomic region encompassing the full coding sequence of the GAN gene has been identified. Loss-of-function variants in GAN are known to be pathogenic (PMID: 12655563, 14718689, 23890932). The boundaries of this event are unknown as they extend beyond the assayed region for this gene and therefore may encompass additional genes.

Literature cited by the submitters: PubMed 12655563; PubMed 14718689; PubMed 23890932.